The following is an entry in ClinVar:

NM_138694.4(PKHD1):c.3334_3336delinsGATTTCTG (p.Thr1112fs)

Gene: PKHD1 (PKHD1 ciliary IPT domain containing fibrocystin/polyductin; minus strand). Cytogenetic location: 6p12.2.
Variant type: Indel.
Coding change: c.3334_3336delinsGATTTCTG on transcript NM_138694.4 (MANE Select); coding-DNA positions 3334 to 3336, ACT replaced by GATTTCTG.
Protein change: p.Thr1112fs; shifts the reading frame from threonine 1112.
Molecular consequence: frameshift variant.
Genome position (GRCh38, 1-based): chr6:52,033,058-52,033,060, AGT replaced by CAGAAATC on the plus strand (ACT replaced by GATTTCTG on the coding strand, the reverse complement: PKHD1 is on the minus strand). VCF-style: chr6-52033058-AGT-CAGAAATC. GRCh37 (hg19) VCF-style: chr6-51897856-AGT-CAGAAATC.
Other names: c.3334_3336delinsGATTTCTG, p.Thr1112fs (NM_170724.3); short protein forms T1112fs.
Identifiers: ClinVar variation 5011572 (VCV005011572.1).
Genomic context (GRCh38, chr6:52,033,058, plus strand): 5'-AGAAAAAGATCTTGCAGTATCACATATTTTACCTGCTATATTGCTTATGTTTCTGCTCAG[AGT>CAGAAATC]CACAATAACTGGATTTAAGGAAGAGACATATGTAAATGCTCTGGGAAGAACTGCAGAATA-3'

ClinVar aggregate classification (germline): Pathogenic (1 of 4 stars; one submission).

Conditions:
Polycystic kidney disease 4 (PKD4). Also called: POLYCYSTIC KIDNEY AND HEPATIC DISEASE 1; POLYCYSTIC KIDNEY DISEASE, INFANTILE, TYPE I; POLYCYSTIC KIDNEY DISEASE 4 WITH OR WITHOUT POLYCYSTIC LIVER DISEASE; PKD3; Autosomal Recessive Polycystic Kidney Disease – PKHD1. Identifiers: MedGen C4540575, MONDO:0033004, OMIM 263200.

Submission:

Myriad Genetics, Inc.
Classification: Pathogenic for Polycystic kidney disease 4. Last evaluated: 2023-09-28. Review status: criteria provided, single submitter. Criteria: Myriad Autosomal Dominant, Autosomal Recessive and X-Linked Classification Criteria (2023). Collection method: clinical testing. Allele origin: unknown.
Comment: NM_138694.3(PKHD1):c.3334_3336del3ins8(T1112Dfs*4) is expected to be pathogenic in the context of autosomal recessive polycystic kidney disease, PKHD1-related. This variant is predicted to lead to an abnormal or absent protein product due to the creation of a premature termination codon in PKHD1, a gene where loss-of-function variants are known to be pathogenic. Please note: this variant was assessed in the context of healthy population screening.